The following is an entry in ClinVar:

NM_052989.3(IFT122):c.3432C>T (p.Ile1144=)

Gene: IFT122 (intraflagellar transport 122; plus strand). Cytogenetic location: 3q22.1.
Variant type: single nucleotide variant.
Coding change: c.3432C>T on transcript NM_052989.3 (MANE Select); coding-DNA position 3432, C replaced by T.
Protein change: p.Ile1144=; no amino-acid change (isoleucine 1144 retained).
Molecular consequence: synonymous variant.
Genome position (GRCh38, 1-based): chr3:129,519,147, C>T. VCF-style: chr3-129519147-C-T. GRCh37 (hg19) VCF-style: chr3-129237990-C-T.
Other names: c.3411C>T, p.Ile1137= (NM_001280541.2); c.2982C>T, p.Ile994= (NM_001280545.2); c.2805C>T, p.Ile935= (NM_001280546.2); c.3255C>T, p.Ile1085= (NM_018262.4); c.3585C>T, p.Ile1195= (NM_052985.4); c.3102C>T, p.Ile1034= (NM_052990.3).
Identifiers: ClinVar variation 211181 (VCV000211181.25), dbSNP rs149884307, ClinGen allele CA207630.

ClinVar aggregate classification (germline): Benign/Likely benign. Review status: criteria provided, multiple submitters, no conflicts (2 of 4 stars). 8 submissions from 8 submitters: Benign (1); Likely benign (6). 1 of the submissions does not count toward it. Last evaluated 2026-01-18.

Conditions:
IFT122-related disorder. Also called: IFT122-related condition.
Cranioectodermal dysplasia 1 (CED1). Also called: LEVIN SYNDROME I. Identifiers: Orphanet 1515, MedGen C0432235, MONDO:0021093, OMIM 218330.

Allele frequency attached by ClinVar (database versions not stated): gnomAD exomes 0.00091 and 0.00128; ExAC 0.00129; 1000 Genomes Project 0.00260; gnomAD 0.00268 and 0.00277; ESP Exome Variant Server 0.00269; 1000 Genomes Project 30x 0.00297; TOPMed 0.00311.
gnomAD v4.1: 1,795 of 1,614,096 alleles (0.11%); highest among the groups gnomAD compares: African/African-American, 0.61%; 6 homozygotes.

Submissions (8):

Labcorp Genetics (formerly Invitae), Labcorp
Classification: Benign for Cranioectodermal dysplasia 1. Last evaluated: 2026-01-18. Review status: criteria provided, single submitter. Criteria: Invitae Variant Classification Sherloc (09022015). Collection method: clinical testing. Allele origin: germline.

Blueprint Genetics
Classification: Likely benign. Last evaluated: 2024-11-25. Review status: criteria provided, single submitter. Criteria: ACMG Guidelines, 2015. Collection method: clinical testing. Allele origin: germline.

Fulgent Genetics
Classification: Likely benign for Cranioectodermal dysplasia 1. Last evaluated: 2021-10-15. Review status: criteria provided, single submitter. Criteria: ACMG Guidelines, 2015. Collection method: clinical testing. Allele origin: unknown.

GeneDx
Classification: Likely benign. Last evaluated: 2021-02-09. Review status: criteria provided, single submitter. Criteria: GeneDx Variant Classification Process June 2021. Collection method: clinical testing. Allele origin: germline. Affected: yes.

Illumina Laboratory Services, Illumina
Classification: Likely benign for Cranioectodermal dysplasia 1. Last evaluated: 2018-01-13. Review status: criteria provided, single submitter. Criteria: ICSL Variant Classification Criteria 13 December 2019. Collection method: clinical testing. Allele origin: germline.
Comment: This variant was observed in the ICSL laboratory as part of a predisposition screen in an ostensibly healthy population. It had not been previously curated by ICSL or reported in the Human Gene Mutation Database (HGMD: prior to June 1st, 2018), and was therefore a candidate for classification through an automated scoring system. Utilizing variant allele frequency, disease prevalence and penetrance estimates, and inheritance mode, an automated score was calculated to assess if this variant is too frequent to cause the disease. Based on the score and internal cut-off values, a variant classified as likely benign is not then subjected to further curation. The score for this variant resulted in a classification of likely benign for this disease.

Genetic Services Laboratory, University of Chicago
Classification: Likely benign. Last evaluated: 2015-04-07. Review status: criteria provided, single submitter. Criteria: ACMG Guidelines, 2015. Collection method: clinical testing. Allele origin: germline.

Breakthrough Genomics
Classification: Likely benign. Review status: criteria provided, single submitter. Criteria: ACMG Guidelines, 2015. Collection method: not provided. Allele origin: germline. Inheritance: Autosomal recessive inheritance. Affected: yes.

PreventionGenetics, part of Exact Sciences
Classification: Likely benign for IFT122-related condition. Last evaluated: 2019-12-05. Review status: no assertion criteria provided. Collection method: clinical testing. Allele origin: germline. Not counted in ClinVar's aggregate classification.
Comment: This variant is classified as likely benign based on ACMG/AMP sequence variant interpretation guidelines (Richards et al. 2015 PMID: 25741868, with internal and published modifications).